The following is an entry in ClinVar:

ClinVar aggregate classification (germline): Pathogenic (1 of 4 stars; one submission).

Conditions:
Microcephaly, normal intelligence and immunodeficiency (NBS). Also called: IMMUNODEFICIENCY, MICROCEPHALY, AND CHROMOSOMAL INSTABILITY; SEEMANOVA SYNDROME II; Nijmegen breakage syndrome; Microcephaly with normal intelligence immunodeficiency and lymphoreticular malignancies; Nonsyndromal microcephaly autosomal recessive with normal intelligence; Seemanova syndrome 2. Identifiers: Orphanet 647, MedGen C0398791, MONDO:0009623, OMIM 251260.

Submission:

Myriad Genetics, Inc.
Classification: Pathogenic for Microcephaly, normal intelligence and immunodeficiency. Last evaluated: 2025-11-17. Review status: criteria provided, single submitter. Criteria: Myriad Autosomal Dominant, Autosomal Recessive and X-Linked Classification Criteria (2023). Collection method: clinical testing. Allele origin: unknown.
Comment: NM_002485.4(NBN):c.20_30del11(A7Gfs*13) is expected to be pathogenic in the context of Nijmegen breakage syndrome. This variant is predicted to lead to an abnormal or absent protein product due to the creation of a premature termination codon in NBN, a gene where loss-of-function variants are known to be pathogenic. Please note: this variant was assessed in the context of healthy population screening.

NM_002485.5(NBN):c.20_30del (p.Ala7fs)

Gene: NBN (nibrin; minus strand). Cytogenetic location: 8q21.3.
Variant type: Deletion.
Coding change: c.20_30del on transcript NM_002485.5 (MANE Select); coding-DNA positions 20 to 30, 11 bases deleted (CCGCGGGCCCG).
Protein change: p.Ala7fs; shifts the reading frame from alanine 7.
Molecular consequence: frameshift variant. On other transcripts: 5 prime UTR variant (1).
Genome position (GRCh38, 1-based): chr8:89,984,532-89,984,542, CGGGCCCGCGG deleted on the plus strand (CCGCGGGCCCG on the coding strand, the reverse complement: NBN is on the minus strand); deleting any 11 consecutive bases within chr8:89,984,532-89,984,547 gives the same sequence; the c. name uses the placement nearest the transcript's 3' end. VCF-style (leftmost placement, unchanged base first): chr8-89984531-CCGGGCCCGCGG-C. GRCh37 (hg19) VCF-style: chr8-90996759-CCGGGCCCGCGG-C.
Other names: c.-277_-267del (NM_001024688.3); short protein forms A7fs.
Identifiers: ClinVar variation 5015229 (VCV005015229.1).
Genomic context (GRCh38, chr8:89,984,531, plus strand): 5'-CCGAGGCAGTCGCTACCGGGAAAATAGGCCCCGAGGCTTCCCTTCTGCCCTTACCTCCTG[CCGGGCCCGCGG>C]CGGGCAGCAGTTTCCACATCGGTCCGGCTCCTCAGGGCTGGGGCCGACGTGCAACCGCGT-3'